The following is an entry in ClinVar:

NM_001142966.3(GREB1L):c.217G>T (p.Gly73Ter)

Genes: GREB1L (GREB1 like retinoic acid receptor coactivator; plus strand), GREB1L-AS1 (GREB1L antisense RNA 1; minus strand). Cytogenetic location: 18q11.1.
Variant type: single nucleotide variant.
Coding change: c.217G>T on transcript NM_001142966.3 (MANE Select); coding-DNA position 217, G replaced by T.
Protein change: p.Gly73Ter; replaces glycine 73 with a stop codon.
Molecular consequence: nonsense.
Genome position (GRCh38, 1-based): chr18:21,384,265, G>T. VCF-style: chr18-21384265-G-T. GRCh37 (hg19) VCF-style: chr18-18964226-G-T.
Other names: c.217G>T, p.Gly73Ter (NM_001410867.1, NM_001410868.1); short protein forms G73*.
Identifiers: ClinVar variation 5002517 (VCV005002517.1).

ClinVar aggregate classification (germline): Uncertain significance (1 of 4 stars; one submission).

Conditions:
GREB1L-related disorder. Also called: GREB1L-related condition.

Submission:

PreventionGenetics, part of Exact Sciences
Classification: Uncertain significance for GREB1L-related condition. Last evaluated: 2025-04-30. Review status: criteria provided, single submitter. Criteria: ACMG Guidelines, 2015. Collection method: clinical testing. Allele origin: germline.
Comment: The GREB1L c.217G>T variant is predicted to result in premature protein termination (p.Gly73*). To our knowledge, this variant has not been reported in the literature or in a large population database (gnomAD), indicating this variant is rare. This variant occurs in the first exon of GREB1L and an alternative translation start codon is located downstream. Although we suspect that this variant may be pathogenic, at this time, the clinical significance of this variant is uncertain due to the absence of conclusive functional and genetic evidence.